The following is an entry in ClinVar:

NM_004304.5(ALK):c.4345T>C (p.Ser1449Pro)

Gene: ALK (ALK receptor tyrosine kinase; minus strand). Cytogenetic location: 2p23.2.
Variant type: single nucleotide variant.
Coding change: c.4345T>C on transcript NM_004304.5 (MANE Select); coding-DNA position 4345, T replaced by C.
Protein change: p.Ser1449Pro; replaces serine 1449 with proline.
Molecular consequence: missense variant.
Genome position (GRCh38, 1-based): chr2:29,193,742, A>G on the plus strand (T>C on the coding strand, the complement: ALK is on the minus strand). VCF-style: chr2-29193742-A-G. GRCh37 (hg19) VCF-style: chr2-29416608-A-G.
Other names: c.1141T>C, p.Ser381Pro (NM_001353765.2); short protein forms S381P, S1449P.
Identifiers: ClinVar variation 4775553 (VCV004775553.1).

ClinVar aggregate classification (germline): Uncertain significance (1 of 4 stars; one submission).

Conditions:
Neuroblastoma, susceptibility to, 3. Also called: ALK-Related Neuroblastic Tumor Susceptibility. Identifiers: Orphanet 635, MedGen C2751681, MONDO:0013083, OMIM 613014.

gnomAD v4.1: 1 of 1,601,140 alleles (0.000062%); highest among the groups gnomAD compares: Non-Finnish European, 0.000085%; no homozygotes.

Submission:

Labcorp Genetics (formerly Invitae), Labcorp
Classification: Uncertain significance for Neuroblastoma, susceptibility to, 3. Last evaluated: 2026-01-19. Review status: criteria provided, single submitter. Criteria: Invitae Variant Classification Sherloc (09022015). Collection method: clinical testing. Allele origin: germline.
Comment: This sequence change replaces serine, which is neutral and polar, with proline, which is neutral and non-polar, at codon 1449 of the ALK protein (p.Ser1449Pro). This variant is not present in population databases (gnomAD no frequency). This variant has not been reported in the literature in individuals affected with ALK-related conditions. An algorithm developed to predict the effect of missense changes on protein structure and function (PolyPhen-2) suggests that this variant is likely to be tolerated. In summary, the available evidence is currently insufficient to determine the role of this variant in disease. Therefore, it has been classified as a Variant of Uncertain Significance.